The following is an entry in ClinVar:

NM_000057.4(BLM):c.4034C>G (p.Ser1345Cys)

Gene: BLM (BLM RecQ like helicase; plus strand). Cytogenetic location: 15q26.1.
Variant type: single nucleotide variant.
Coding change: c.4034C>G on transcript NM_000057.4 (MANE Select); coding-DNA position 4034, C replaced by G.
Protein change: p.Ser1345Cys; replaces serine 1345 with cysteine.
Molecular consequence: missense variant.
Genome position (GRCh38, 1-based): chr15:90,811,364, C>G. VCF-style: chr15-90811364-C-G. GRCh37 (hg19) VCF-style: chr15-91354594-C-G.
Other names: c.4034C>G, p.Ser1345Cys (NM_001287246.2); c.3641C>G, p.Ser1214Cys (NM_001287247.2); c.2909C>G, p.Ser970Cys (NM_001287248.2); short protein forms S1214C, S1345C, S970C.
Identifiers: ClinVar variation 3991629 (VCV003991629.1).
Genomic context (GRCh38, chr15:90,811,364, plus strand): 5'-ACTTTGCAAGTAAAACCAGAAATGAAAGGAAGAGGAAAAAGATGCCAGCCTCCCAAAGGT[C>G]TAAGAGGAGAAAAACTGCTTCCAGTGGTTCCAAGGCAAAGGGGTATGTTTTGTGACATCT-3'
Protein context (NP_000048.1, residues 1335-1355): KRKKMPASQR[Ser1345Cys]KRRKTASSGS

ClinVar aggregate classification (germline): Uncertain significance (1 of 4 stars; one submission).

Conditions:
Hereditary cancer-predisposing syndrome. Also called: Tumor predisposition; Hereditary neoplastic syndrome; Neoplastic Syndromes, Hereditary; Hereditary Cancer Syndrome. Identifiers: Orphanet 140162, MedGen C0027672, MeSH D009386, MONDO:0015356.

Submission:

Ambry Genetics
Classification: Uncertain significance for Hereditary cancer-predisposing syndrome. Last evaluated: 2025-03-27. Review status: criteria provided, single submitter. Criteria: Ambry Variant Classification Scheme 2023. Collection method: clinical testing. Allele origin: germline.
Comment: The p.S1345C variant (also known as c.4034C>G), located in coding exon 20 of the BLM gene, results from a C to G substitution at nucleotide position 4034. The serine at codon 1345 is replaced by cysteine, an amino acid with dissimilar properties. This amino acid position is conserved. In addition, this alteration is predicted to be tolerated by in silico analysis. Based on the available evidence, the clinical significance of this variant remains unclear.